The following is an entry in ClinVar:

ClinVar aggregate classification (germline): Likely benign (1 of 4 stars; one submission).

Allele frequency attached by ClinVar (database versions not stated): ExAC 0.00007; gnomAD exomes 0.00007; ESP Exome Variant Server 0.00047; gnomAD 0.00056; 1000 Genomes Project 30x 0.00104.

Submission:

CeGaT Center for Human Genetics Tuebingen
Classification: Likely benign. Last evaluated: 2022-05-01. Review status: criteria provided, single submitter. Criteria: CeGaT Center For Human Genetics Tuebingen Variant Classification Criteria Version 2. Collection method: clinical testing. Allele origin: germline. Affected: yes. Observed: 1 variant allele.
Comment: ZXDB: BP4, BP7

NM_007157.4(ZXDB):c.1299A>G (p.Lys433=)

Gene: ZXDB (zinc finger X-linked duplicated B; plus strand). Cytogenetic location: Xp11.21.
Variant type: single nucleotide variant.
Coding change: c.1299A>G on transcript NM_007157.4 (MANE Select); coding-DNA position 1299, A replaced by G.
Protein change: p.Lys433=; no amino-acid change (lysine 433 retained).
Molecular consequence: synonymous variant.
Genome position (GRCh38, 1-based): chrX:57,593,347, A>G. VCF-style: chrX-57593347-A-G. GRCh37 (hg19) VCF-style: chrX-57619780-A-G.
Identifiers: ClinVar variation 2660731 (VCV002660731.24), dbSNP rs145785814, ClinGen allele CA10431213.
Genomic context (GRCh38, chrX:57,593,347, plus strand): 5'-TAACCGCGCCCATTTCAGGGAACAGGAACTGTTTTCCTGCTCTTTTCCTGGCTGCAGCAA[A>G]CAATATGACAAGGCTTGTAGGCTGAAAATTCACCTGCGGAGTCACACCGGCGAGAGACCT-3'
Protein context (NP_009088.1, residues 423-443): LFSCSFPGCS[Lys433=]QYDKACRLKI